The following is an entry in ClinVar:

ClinVar aggregate classification (germline): Conflicting classifications of pathogenicity. Review status: criteria provided, conflicting classifications (1 of 4 stars). 5 submissions from 5 submitters: Uncertain significance (2); Benign (1); Likely benign (1). 1 of the submissions does not count toward it. Last evaluated 2026-04-01.

Conditions:
EIF2B3-related disorder. Also called: EIF2B3-related condition.
Vanishing white matter disease. Also called: CACH syndrome; Childhood ataxia with diffuse central nervous system hypomyelination; Leukoencephalopathy with vanishing white matter; CACH/VWM syndrome; Cree leukoencehalopathy. Identifiers: Orphanet 135, Orphanet 99853, MedGen C1858991, MONDO:0800448.

Allele frequency attached by ClinVar (database versions not stated): ESP Exome Variant Server 0.00015; TOPMed 0.00015; 1000 Genomes Project 30x 0.00031; 1000 Genomes Project 0.00040; gnomAD exomes 0.00058 and 0.00134; gnomAD 0.00094 and 0.00098; ExAC 0.00153.
gnomAD v4.1: 1,018 of 1,612,762 alleles (0.063%); highest among the groups gnomAD compares: South Asian, 0.067%; 8 homozygotes.

Submissions (5):

CeGaT Center for Human Genetics Tuebingen
Classification: Likely benign. Last evaluated: 2026-04-01. Review status: criteria provided, single submitter. Criteria: CeGaT Center For Human Genetics Tuebingen Variant Classification Criteria Version 2. Collection method: clinical testing. Allele origin: germline. Affected: yes. Observed: 2 variant alleles.
Comment: EIF2B3: BP4, BP7

Labcorp Genetics (formerly Invitae), Labcorp
Classification: Benign. Last evaluated: 2026-01-11. Review status: criteria provided, single submitter. Criteria: Invitae Variant Classification Sherloc (09022015). Collection method: clinical testing. Allele origin: germline.

Illumina Laboratory Services, Illumina
Classification: Uncertain significance for Leukoencephalopathy with vanishing white matter 1. Last evaluated: 2018-01-13. Review status: criteria provided, single submitter. Criteria: ICSL Variant Classification Criteria 13 December 2019. Collection method: clinical testing. Allele origin: germline.

Breakthrough Genomics
Classification: Uncertain significance. Review status: criteria provided, single submitter. Criteria: ACMG Guidelines, 2015. Collection method: not provided. Allele origin: germline. Inheritance: Autosomal recessive inheritance. Affected: yes.

PreventionGenetics, part of Exact Sciences
Classification: Benign for EIF2B3-related condition. Last evaluated: 2023-10-03. Review status: no assertion criteria provided. Collection method: clinical testing. Allele origin: germline. Not counted in ClinVar's aggregate classification.
Comment: This variant is classified as benign based on ACMG/AMP sequence variant interpretation guidelines (Richards et al. 2015 PMID: 25741868, with internal and published modifications).

NM_020365.5(EIF2B3):c.591G>A (p.Thr197=)

Gene: EIF2B3 (eukaryotic translation initiation factor 2B subunit gamma; minus strand). Cytogenetic location: 1p34.1.
Variant type: single nucleotide variant.
Coding change: c.591G>A on transcript NM_020365.5 (MANE Select); coding-DNA position 591, G replaced by A.
Protein change: p.Thr197=; no amino-acid change (threonine 197 retained).
Molecular consequence: synonymous variant.
Genome position (GRCh38, 1-based): chr1:44,897,420, C>T on the plus strand (G>A on the coding strand, the complement: EIF2B3 is on the minus strand). VCF-style: chr1-44897420-C-T. GRCh37 (hg19) VCF-style: chr1-45363092-C-T.
Other names: c.591G>A, p.Thr197= (NM_001166588.3, NM_001261418.2).
Identifiers: ClinVar variation 297445 (VCV000297445.17), dbSNP rs188705026, ClinGen allele CA823970.